The following is an entry in ClinVar:

NM_005334.3(HCFC1):c.1228A>G (p.Thr410Ala)

Gene: HCFC1 (host cell factor C1; minus strand). Cytogenetic location: Xq28.
Variant type: single nucleotide variant.
Coding change: c.1228A>G on transcript NM_005334.3 (MANE Select); coding-DNA position 1228, A replaced by G.
Protein change: p.Thr410Ala; replaces threonine 410 with alanine.
Molecular consequence: missense variant.
Genome position (GRCh38, 1-based): chrX:153,960,018, T>C on the plus strand (A>G on the coding strand, the complement: HCFC1 is on the minus strand). VCF-style: chrX-153960018-T-C. GRCh37 (hg19) VCF-style: chrX-153225469-T-C.
Other names: c.1228A>G, p.Thr410Ala (NM_001410705.1); short protein forms T410A.
Identifiers: ClinVar variation 2181955 (VCV002181955.4), dbSNP rs782419845, ClinGen allele CA10557536.

ClinVar aggregate classification (germline): Uncertain significance (1 of 4 stars; one submission).

Conditions:
Methylmalonic acidemia with homocystinuria, type cblX (MAHCX). Also called: INTELLECTUAL DEVELOPMENTAL DISORDER, X-LINKED 3. Identifiers: Orphanet 369962, MedGen C0796208, MONDO:0010657, OMIM 309541.

Allele frequency attached by ClinVar (database versions not stated): ExAC 0.00001.
gnomAD v4.1: 3 of 1,206,662 alleles (0.00025%); highest among the groups gnomAD compares: Non-Finnish European, 0.00034%; no homozygotes.

Submission:

Labcorp Genetics (formerly Invitae), Labcorp
Classification: Uncertain significance for Methylmalonic acidemia with homocystinuria, type cblX. Last evaluated: 2022-09-02. Review status: criteria provided, single submitter. Criteria: Invitae Variant Classification Sherloc (09022015). Collection method: clinical testing. Allele origin: germline.
Comment: This variant is present in population databases (rs782419845, gnomAD 0.001%). This sequence change replaces threonine, which is neutral and polar, with alanine, which is neutral and non-polar, at codon 410 of the HCFC1 protein (p.Thr410Ala). This variant has not been reported in the literature in individuals affected with HCFC1-related conditions. In summary, the available evidence is currently insufficient to determine the role of this variant in disease. Therefore, it has been classified as a Variant of Uncertain Significance. Algorithms developed to predict the effect of missense changes on protein structure and function output the following: SIFT: "Tolerated"; PolyPhen-2: "Benign"; Align-GVGD: "Class C0". The alanine amino acid residue is found in multiple mammalian species, which suggests that this missense change does not adversely affect protein function.